The following is an entry in ClinVar:

NM_000038.6(APC):c.5119T>A (p.Ser1707Thr)

Gene: APC (APC regulator of Wnt signaling pathway; plus strand). Cytogenetic location: 5q22.2.
Variant type: single nucleotide variant.
Coding change: c.5119T>A on transcript NM_000038.6 (MANE Select); coding-DNA position 5119, T replaced by A.
Protein change: p.Ser1707Thr; replaces serine 1707 with threonine.
Molecular consequence: missense variant. On other transcripts: non-coding transcript variant (2).
Genome position (GRCh38, 1-based): chr5:112,840,713, T>A. VCF-style: chr5-112840713-T-A. GRCh37 (hg19) VCF-style: chr5-112176410-T-A.
Other names: c.4270T>A, p.Ser1424Thr (NM_001407470.1, NM_001354906.2); c.3967T>A, p.Ser1323Thr (NM_001407471.1, NM_001407472.1); c.5119T>A, p.Ser1707Thr (NM_001127510.3, NM_001354895.2, NM_001407450.1); c.5065T>A, p.Ser1689Thr (NM_001127511.3); c.5173T>A, p.Ser1725Thr (NM_001354896.2, NM_001407447.1, NM_001407448.1 and 1 more transcripts); c.5149T>A, p.Ser1717Thr (NM_001354897.2); c.5044T>A, p.Ser1682Thr (NM_001354898.2); c.5035T>A, p.Ser1679Thr (NM_001354899.2); and 11 more; short protein forms S1323T, S1616T, S1689T, S1697T, S1725T, S1624T, S1424T, S1581T.
Identifiers: ClinVar variation 4580347 (VCV004580347.1).

ClinVar aggregate classification (germline): Uncertain significance (1 of 4 stars; one submission).

Conditions:
Hereditary cancer-predisposing syndrome. Also called: Neoplastic Syndromes, Hereditary; Tumor predisposition; Hereditary Cancer Syndrome; Hereditary neoplastic syndrome. Identifiers: Orphanet 140162, MedGen C0027672, MeSH D009386, MONDO:0015356.

gnomAD v4.1: 1 of 1,614,112 alleles (0.000062%); highest among the groups gnomAD compares: Non-Finnish European, 0.000085%; no homozygotes.

Submission:

Ambry Genetics
Classification: Uncertain significance for Hereditary cancer-predisposing syndrome. Last evaluated: 2025-10-07. Review status: criteria provided, single submitter. Criteria: Ambry Variant Classification Scheme 2023. Collection method: clinical testing. Allele origin: germline.
Comment: The p.S1707T variant (also known as c.5119T>A), located in coding exon 15 of the APC gene, results from a T to A substitution at nucleotide position 5119. The serine at codon 1707 is replaced by threonine, an amino acid with similar properties. This amino acid position is not well conserved in available vertebrate species. In addition, in silico predictors for this gene do not accurately predict pathogenicity. Missense variants in APC are not a common cause of disease (Spier I et al. Genet Med. 2024 Feb;26(2):100992). Based on the available evidence, the clinical significance of this variant remains unclear.